The following is an entry in ClinVar:

NM_001080467.3(MYO5B):c.2683C>T (p.Arg895Trp)

Gene: MYO5B (myosin VB; minus strand). Cytogenetic location: 18q21.1.
Variant type: single nucleotide variant.
Coding change: c.2683C>T on transcript NM_001080467.3 (MANE Select); coding-DNA position 2683, C replaced by T.
Protein change: p.Arg895Trp; replaces arginine 895 with tryptophan.
Molecular consequence: missense variant.
Genome position (GRCh38, 1-based): chr18:49,902,722, G>A on the plus strand (C>T on the coding strand, the complement: MYO5B is on the minus strand). VCF-style: chr18-49902722-G-A. GRCh37 (hg19) VCF-style: chr18-47429092-G-A.
Other names: c.2683C>T (NM_001080467.2); short protein forms R895W.
Identifiers: ClinVar variation 2175468 (VCV002175468.3), dbSNP rs769423121, ClinGen allele CA8960973.
Genomic context (GRCh38, chr18:49,902,722, plus strand): 5'-GCTCTGCTGAGCGGGCCTCAATCCTGAGGGCCTTCAGCTCCCGCCTGGCCTTGAGCATCC[G>A]GAAGGCACACTGGATGACAATGGCTGCATCCCGCAGCCGCTGGAAGTGCCTGCGTGCCAT-3'
Protein context (NP_001073936.1, residues 885-905): DAAIVIQCAF[Arg895Trp]MLKARRELKA

ClinVar aggregate classification (germline): Uncertain significance. Review status: criteria provided, multiple submitters, no conflicts (2 of 4 stars). 2 submissions from 2 submitters: Uncertain significance (2). Last evaluated 2026-08-17.

Conditions:
MYO5B-related disorder. Also called: MYO5B-related condition.

Allele frequency attached by ClinVar (database versions not stated): TOPMed 0.00006; gnomAD 0.00009.
gnomAD v4.1: 72 of 1,610,868 alleles (0.0045%); highest among the groups gnomAD compares: Middle Eastern, 0.017%; no homozygotes.

Submissions (2):

PreventionGenetics, part of Exact Sciences
Classification: Uncertain significance for MYO5B-related condition. Last evaluated: 2026-08-17. Review status: criteria provided, single submitter. Criteria: ACMG Guidelines, 2015. Collection method: clinical testing. Allele origin: germline.
Comment: The MYO5B c.2683C>T variant is predicted to result in the amino acid substitution p.Arg895Trp. To our knowledge, this variant has not been reported in the literature. This variant is reported in 0.016% of alleles in individuals of South Asian descent in gnomAD. At this time, the clinical significance of this variant is uncertain due to the absence of conclusive functional and genetic evidence.

Labcorp Genetics (formerly Invitae), Labcorp
Classification: Uncertain significance. Last evaluated: 2022-05-29. Review status: criteria provided, single submitter. Criteria: Invitae Variant Classification Sherloc (09022015). Collection method: clinical testing. Allele origin: germline.
Comment: In summary, the available evidence is currently insufficient to determine the role of this variant in disease. Therefore, it has been classified as a Variant of Uncertain Significance. Algorithms developed to predict the effect of missense changes on protein structure and function (SIFT, PolyPhen-2, Align-GVGD) all suggest that this variant is likely to be disruptive. This variant has not been reported in the literature in individuals affected with MYO5B-related conditions. This variant is present in population databases (rs769423121, gnomAD 0.02%). This sequence change replaces arginine, which is basic and polar, with tryptophan, which is neutral and slightly polar, at codon 895 of the MYO5B protein (p.Arg895Trp).